The following is an entry in ClinVar:

ClinVar aggregate classification (germline): Likely benign. Review status: criteria provided, multiple submitters, no conflicts (2 of 4 stars). 2 submissions from 2 submitters: Likely benign (2). Last evaluated 2025-12-16.

Conditions:
Spastic paraplegia. Identifiers: MedGen C0037772, HP:0001258.

Allele frequency attached by ClinVar (database versions not stated): TOPMed below 0.00001; ExAC 0.00002; gnomAD exomes 0.00002.
gnomAD v4.1: 27 of 1,613,900 alleles (0.0017%); highest among the groups gnomAD compares: Middle Eastern, 0.017%; no homozygotes.

Submissions (2):

Labcorp Genetics (formerly Invitae), Labcorp
Classification: Likely benign for Spastic paraplegia. Last evaluated: 2025-12-16. Review status: criteria provided, single submitter. Criteria: Invitae Variant Classification Sherloc (09022015). Collection method: clinical testing. Allele origin: germline.

CeGaT Center for Human Genetics Tuebingen
Classification: Likely benign. Last evaluated: 2025-01-01. Review status: criteria provided, single submitter. Criteria: CeGaT Center For Human Genetics Tuebingen Variant Classification Criteria Version 2. Collection method: clinical testing. Allele origin: germline. Affected: yes. Observed: 1 variant allele.
Comment: KIF5A: BP4, BP7

NM_004984.4(KIF5A):c.2727G>A (p.Ser909=)

Gene: KIF5A (kinesin family member 5A; plus strand). Cytogenetic location: 12q13.3.
Variant type: single nucleotide variant.
Coding change: c.2727G>A on transcript NM_004984.4 (MANE Select); coding-DNA position 2727, G replaced by A.
Protein change: p.Ser909=; no amino-acid change (serine 909 retained).
Molecular consequence: synonymous variant.
Genome position (GRCh38, 1-based): chr12:57,581,144, G>A. VCF-style: chr12-57581144-G-A. GRCh37 (hg19) VCF-style: chr12-57974927-G-A.
Other names: c.2460G>A, p.Ser820= (NM_001354705.2).
Identifiers: ClinVar variation 1624698 (VCV001624698.21), dbSNP rs756801243, ClinGen allele CA6653184.